The following is an entry in ClinVar:

ClinVar aggregate classification (germline): Pathogenic (1 of 4 stars; one submission).

Conditions:
Nephronophthisis. Also called: Juvenile Nephronophthisis. Identifiers: Orphanet 655, MedGen C0687120, MONDO:0019005, HP:0000090.

Submission:

Labcorp Genetics (formerly Invitae), Labcorp
Classification: Pathogenic for Nephronophthisis. Last evaluated: 2022-07-26. Review status: criteria provided, single submitter. Criteria: Invitae Variant Classification Sherloc (09022015). Collection method: clinical testing. Allele origin: germline.
Comment: For these reasons, this variant has been classified as Pathogenic. ClinVar contains an entry for this variant (Variation ID: 1070974). This variant has not been reported in the literature in individuals affected with NPHP3-related conditions. This variant is not present in population databases (gnomAD no frequency). This sequence change creates a premature translational stop signal (p.Trp796*) in the NPHP3 gene. It is expected to result in an absent or disrupted protein product. Loss-of-function variants in NPHP3 are known to be pathogenic (PMID: 18371931, 23559409).

Literature cited by the submitters: PubMed 18371931; PubMed 23559409.

NM_153240.5(NPHP3):c.2387G>A (p.Trp796Ter)

Genes: NPHP3 (nephrocystin 3; minus strand), NPHP3-ACAD11 (NPHP3-ACAD11 readthrough (NMD candidate); minus strand). Cytogenetic location: 3q22.1.
Variant type: single nucleotide variant.
Coding change: c.2387G>A on transcript NM_153240.5 (MANE Select); coding-DNA position 2387, G replaced by A.
Protein change: p.Trp796Ter; replaces tryptophan 796 with a stop codon.
Molecular consequence: nonsense. On other transcripts: non-coding transcript variant (1).
Genome position (GRCh38, 1-based): chr3:132,692,742, C>T on the plus strand (G>A on the coding strand, the complement: NPHP3 is on the minus strand). VCF-style: chr3-132692742-C-T. GRCh37 (hg19) VCF-style: chr3-132411586-C-T.
Other names: short protein forms W796*.
Identifiers: ClinVar variation 1070974 (VCV001070974.7), dbSNP rs2107971687, ClinGen allele CA354581427.